The following is an entry in ClinVar:

ClinVar aggregate classification (germline): Uncertain significance. Review status: criteria provided, multiple submitters, no conflicts (2 of 4 stars). 7 submissions from 5 submitters: Uncertain significance (7). Last evaluated 2024-05-17.

Conditions:
Pyropoikilocytosis, hereditary. Also called: Pyropoikilocytosis. Identifiers: MedGen C0520739, MONDO:0009948, OMIM 266140, HP:0004839. Disease mechanism: loss of function.
Hereditary spherocytosis type 3. Also called: Spherocytosis type 3; SPTA1-Related Spherocytosis. Identifiers: Orphanet 822, MedGen C2678338, MONDO:0010053, OMIM 270970.
Elliptocytosis 2 (EL2). Also called: ELLIPTOCYTOSIS, RHESUS-UNLINKED TYPE. Identifiers: Orphanet 288, MedGen C1851741, MONDO:0007533, OMIM 130600.

Allele frequency attached by ClinVar (database versions not stated): gnomAD 0.00003; gnomAD exomes 0.00004; TOPMed 0.00004; ExAC 0.00007; ESP Exome Variant Server 0.00008; 1000 Genomes Project 30x 0.00016; 1000 Genomes Project 0.00020.
gnomAD v4.1: 51 of 1,614,078 alleles (0.0032%); highest among the groups gnomAD compares: Middle Eastern, 0.066%; no homozygotes.

Submissions (7):

Mayo Clinic Laboratories, Mayo Clinic
Classification: Uncertain significance. Last evaluated: 2024-05-17. Review status: criteria provided, single submitter. Criteria: ACMG Guidelines, 2015. Collection method: clinical testing. Allele origin: germline. Observed: 1 variant allele.
Comment: BP4, PM2_moderate

ARUP Laboratories, Molecular Genetics and Genomics, ARUP Laboratories
Classification: Uncertain significance. Last evaluated: 2023-09-21. Review status: criteria provided, single submitter. Criteria: ARUP Molecular Germline Variant Investigation Process 2024. Collection method: clinical testing. Allele origin: germline.

Revvity Omics, Revvity
Classification: Uncertain significance. Last evaluated: 2023-09-12. Review status: criteria provided, single submitter. Criteria: ACMG Guidelines, 2015. Collection method: clinical testing. Allele origin: germline.

Illumina Laboratory Services, Illumina
Classification: Uncertain significance for Pyropoikilocytosis, hereditary. Last evaluated: 2018-01-13. Review status: criteria provided, single submitter. Criteria: ICSL Variant Classification Criteria 13 December 2019. Collection method: clinical testing. Allele origin: germline.

Illumina Laboratory Services, Illumina
Classification: Uncertain significance for Hereditary spherocytosis type 3. Last evaluated: 2018-01-13. Review status: criteria provided, single submitter. Criteria: ICSL Variant Classification Criteria 13 December 2019. Collection method: clinical testing. Allele origin: germline.

Illumina Laboratory Services, Illumina
Classification: Uncertain significance for Elliptocytosis 2. Last evaluated: 2018-01-13. Review status: criteria provided, single submitter. Criteria: ICSL Variant Classification Criteria 13 December 2019. Collection method: clinical testing. Allele origin: germline.

Breakthrough Genomics
Classification: Uncertain significance. Review status: criteria provided, single submitter. Criteria: ACMG Guidelines, 2015. Collection method: not provided. Allele origin: germline. Inheritance: Autosomal recessive inheritance. Affected: yes.

NM_003126.4(SPTA1):c.1309G>A (p.Val437Met)

Gene: SPTA1 (spectrin alpha, erythrocytic 1; minus strand). Cytogenetic location: 1q23.1.
Variant type: single nucleotide variant.
Coding change: c.1309G>A on transcript NM_003126.4 (MANE Select); coding-DNA position 1309, G replaced by A.
Protein change: p.Val437Met; replaces valine 437 with methionine.
Molecular consequence: missense variant.
Genome position (GRCh38, 1-based): chr1:158,674,370, C>T on the plus strand (G>A on the coding strand, the complement: SPTA1 is on the minus strand). VCF-style: chr1-158674370-C-T. GRCh37 (hg19) VCF-style: chr1-158644160-C-T.
Other names: p.Val437Met; short protein forms V437M.
Identifiers: ClinVar variation 293042 (VCV000293042.10), dbSNP rs147677656, ClinGen allele CA1183829.
Genomic context (GRCh38, chr1:158,674,370, plus strand): 5'-CTCTGTTAAACTAGATTACCTTTTCCCGAACTTCATCAGAGGCTTCATGATTGGCATTCA[C>T]GAGGTCTTGACCAGTCTCATCAGCAGATTGAAATCGGTCATCGTAAGAGTCAATCTCATG-3'
Protein context (NP_003117.2, residues 427-447): QSADETGQDL[Val437Met]NANHEASDEV